The following is an entry in ClinVar:

ClinVar aggregate classification (germline): Uncertain significance (1 of 4 stars; one submission).

Conditions:
Malignant hyperthermia, susceptibility to, 1 (MHS1). Also called: Malignant hyperthermia suceptibility 1; RYR1-Related Malignant Hyperthermia Susceptibility; Anesthesia related hyperthermia; Malignant hyperpyrexia; Fulminating hyperpyrexia; Pharmacogenic myopathy. Identifiers: Orphanet 423, MedGen C2930980, MONDO:0007783, OMIM 145600.

Submission:

Biesecker Lab/Clinical Genomics Section, National Institutes of Health
Classification: Uncertain significance for Malignant hyperthermia, susceptibility to, 1. Last evaluated: 2013-07-01. Review status: criteria provided, single submitter. Criteria: Gonsalves et al. 2013. Collection method: research. Allele origin: unknown. Observed: 2 variant alleles. Study: ClinSeq.
Comment: The study set was not selected for affection status in relation to any myopathy. Pathogenicity categories were based on literature curation. See Pubmed ID: 24195946 for details.

NM_000540.3(RYR1):c.1808_1823del (p.Cys603fs)

Gene: RYR1 (ryanodine receptor 1; plus strand). Cytogenetic location: 19q13.2.
Variant type: Deletion.
Coding change: c.1808_1823del on transcript NM_000540.3 (MANE Select); coding-DNA positions 1808 to 1823, 16 bases deleted (GCTCCCTGTGTGTGTG).
Protein change: p.Cys603fs; shifts the reading frame from cysteine 603.
Molecular consequence: frameshift variant.
Genome position (GRCh38, 1-based): chr19:38,457,513-38,457,528, GCTCCCTGTGTGTGTG deleted. VCF-style (leftmost placement, unchanged base first): chr19-38457512-TGCTCCCTGTGTGTGTG-T. GRCh37 (hg19) VCF-style: chr19-38948152-TGCTCCCTGTGTGTGTG-T.
Other names: c.1808_1823del, p.Cys603fs (NM_001042723.2); short protein forms C603fs.
Identifiers: ClinVar variation 224411 (VCV000224411.1), dbSNP rs869312738, ClinGen allele CA353453.